The following is an entry in ClinVar:

ClinVar aggregate classification (germline): Uncertain significance. Review status: criteria provided, multiple submitters, no conflicts (2 of 4 stars). 2 submissions from 2 submitters: Uncertain significance (2). Last evaluated 2024-09-30.

Conditions:
Cardiomyopathy (CMYO). Also called: Cardiomyopathies. Identifiers: Orphanet 167848, MedGen C0878544, MONDO:0004994, HP:0001638. Inheritance: Various modes of inheritance.
Arrhythmogenic right ventricular dysplasia 11. Also called: ARRHYTHMOGENIC RIGHT VENTRICULAR DYSPLASIA, FAMILIAL, 11; Arrhythmogenic Right Ventricular Dysplasia/Cardiomyopathy11; Arrhythmogenic right ventricular dysplasia 11 with mild palmoplantar keratoderma and woolly hair. Identifiers: MedGen C1864850, MONDO:0012506, OMIM 610476.

Submissions (2):

Labcorp Genetics (formerly Invitae), Labcorp
Classification: Uncertain significance for Arrhythmogenic right ventricular dysplasia 11. Last evaluated: 2024-09-30. Review status: criteria provided, single submitter. Criteria: Invitae Variant Classification Sherloc (09022015). Collection method: clinical testing. Allele origin: germline.
Comment: This sequence change replaces alanine, which is neutral and non-polar, with threonine, which is neutral and polar, at codon 551 of the DSC2 protein (p.Ala551Thr). This variant is not present in population databases (gnomAD no frequency). This variant has not been reported in the literature in individuals affected with DSC2-related conditions. ClinVar contains an entry for this variant (Variation ID: 925871). Invitae Evidence Modeling of protein sequence and biophysical properties (such as structural, functional, and spatial information, amino acid conservation, physicochemical variation, residue mobility, and thermodynamic stability) has been performed for this missense variant. However, the output from this modeling did not meet the statistical confidence thresholds required to predict the impact of this variant on DSC2 protein function. In summary, the available evidence is currently insufficient to determine the role of this variant in disease. Therefore, it has been classified as a Variant of Uncertain Significance.

Color Diagnostics, LLC DBA Color Health
Classification: Uncertain significance for Cardiomyopathy. Last evaluated: 2024-03-06. Review status: criteria provided, single submitter. Criteria: ACMG Guidelines, 2015. Collection method: clinical testing. Allele origin: germline.
Comment: This missense variant replaces alanine with threonine at codon 551 of the DSC2 protein. Computational prediction tool is inconclusive regarding the impact of this variant on protein structure and function (internally defined REVEL score threshold 0.5 < inconclusive < 0.7, PMID: 27666373). Splice site prediction tools suggest that this variant may not impact RNA splicing. To our knowledge, functional studies have not been performed for this variant. This variant has not been reported in individuals affected with cardiovascular disorders in the literature. This variant has not been identified in the general population by the Genome Aggregation Database (gnomAD). The available evidence is insufficient to determine the role of this variant in disease conclusively. Therefore, this variant is classified as a Variant of Uncertain Significance.

NM_024422.6(DSC2):c.1651G>A (p.Ala551Thr)

Gene: DSC2 (desmocollin 2; minus strand). Cytogenetic location: 18q12.1.
Variant type: single nucleotide variant.
Coding change: c.1651G>A on transcript NM_024422.6 (MANE Select); coding-DNA position 1651, G replaced by A.
Protein change: p.Ala551Thr; replaces alanine 551 with threonine.
Molecular consequence: missense variant.
Genome position (GRCh38, 1-based): chr18:31,079,859, C>T on the plus strand (G>A on the coding strand, the complement: DSC2 is on the minus strand). VCF-style: chr18-31079859-C-T. GRCh37 (hg19) VCF-style: chr18-28659825-C-T.
Other names: c.1651G>A, p.Ala551Thr (NM_004949.5); short protein forms A551T.
Identifiers: ClinVar variation 925871 (VCV000925871.6), dbSNP rs1987146258, ClinGen allele CA402107715.